The following is an entry in ClinVar:

ClinVar aggregate classification (germline): Likely benign (1 of 4 stars; one submission).

Submission:

GeneDx
Classification: Likely benign. Last evaluated: 2018-06-15. Review status: criteria provided, single submitter. Criteria: GeneDx Variant Classification (06012015). Collection method: clinical testing. Allele origin: germline. Affected: yes.
Comment: This variant is considered likely benign or benign based on one or more of the following criteria: it is a conservative change, it occurs at a poorly conserved position in the protein, it is predicted to be benign by multiple in silico algorithms, and/or has population frequency not consistent with disease.

NM_001035.3(RYR2):c.774-299AC[4]

Gene: RYR2 (ryanodine receptor 2; plus strand). Cytogenetic location: 1q43.
Variant type: Microsatellite.
Coding change: c.774-299AC[4] on transcript NM_001035.3 (MANE Select); four copies in a row of the 2-base unit AC starting at c.774-299.
Molecular consequence: intron variant.
Genome position: GRCh38 VCF-style: chr1-237416749-AACACAC-A. GRCh37 (hg19) VCF-style: chr1-237580049-AACACAC-A.
Identifiers: ClinVar variation 673337 (VCV000673337.1), dbSNP rs71180024, ClinGen allele CA39785878.